The following is an entry in ClinVar:

NM_000051.4(ATM):c.5174A>G (p.Asp1725Gly)

Gene: ATM (ATM serine/threonine kinase; plus strand). Cytogenetic location: 11q22.3.
Variant type: single nucleotide variant.
Coding change: c.5174A>G on transcript NM_000051.4 (MANE Select); coding-DNA position 5174, A replaced by G.
Protein change: p.Asp1725Gly; replaces aspartic acid 1725 with glycine.
Molecular consequence: missense variant.
Genome position (GRCh38, 1-based): chr11:108,299,882, A>G. VCF-style: chr11-108299882-A-G. GRCh37 (hg19) VCF-style: chr11-108170609-A-G.
Other names: c.5174A>G, p.Asp1725Gly (NM_001351834.2); short protein forms D1725G.
Identifiers: ClinVar variation 3221709 (VCV003221709.1), dbSNP rs2135893294, ClinGen allele CA382541223.
Genomic context (GRCh38, chr11:108,299,882, plus strand): 5'-ATAAAGAACTTCAGTGGACCTTCATAATGCTGACCTACCTGAATAACACACTGGTAGAAG[A>G]TTGGTGAGTATTTATTGATACCTTATATGTAATCTCAATATGACATTCATGGAGAATGAT-3'
Protein context (NP_000042.3, residues 1715-1735): LTYLNNTLVE[Asp1725Gly]CVKVRSAAVT

ClinVar aggregate classification (germline): Uncertain significance (1 of 4 stars; one submission).

Conditions:
Hereditary cancer-predisposing syndrome. Also called: Tumor predisposition; Hereditary neoplastic syndrome; Hereditary Cancer Syndrome; Neoplastic Syndromes, Hereditary. Identifiers: Orphanet 140162, MedGen C0027672, MeSH D009386, MONDO:0015356.

Submission:

Ambry Genetics
Classification: Uncertain significance for Hereditary cancer-predisposing syndrome. Last evaluated: 2023-11-29. Review status: criteria provided, single submitter. Criteria: Ambry Variant Classification Scheme 2023. Collection method: clinical testing. Allele origin: germline.
Comment: The p.D1725G variant (also known as c.5174A>G), located in coding exon 33 of the ATM gene, results from an A to G substitution at nucleotide position 5174. The aspartic acid at codon 1725 is replaced by glycine, an amino acid with similar properties. This amino acid position is not well conserved in available vertebrate species. In addition, this alteration is predicted to be tolerated by in silico analysis. Since supporting evidence is limited at this time, the clinical significance of this alteration remains unclear.